The following is an entry in ClinVar:

NM_022726.4(ELOVL4):c.55C>T (p.Leu19Phe)

Gene: ELOVL4 (ELOVL fatty acid elongase 4; minus strand). Cytogenetic location: 6q14.1.
Variant type: single nucleotide variant.
Coding change: c.55C>T on transcript NM_022726.4 (MANE Select); coding-DNA position 55, C replaced by T.
Protein change: p.Leu19Phe; replaces leucine 19 with phenylalanine.
Molecular consequence: missense variant.
Genome position (GRCh38, 1-based): chr6:79,947,225, G>A on the plus strand (C>T on the coding strand, the complement: ELOVL4 is on the minus strand). VCF-style: chr6-79947225-G-A. GRCh37 (hg19) VCF-style: chr6-80656942-G-A.
Other names: short protein forms L19F.
Identifiers: ClinVar variation 1713940 (VCV001713940.5), dbSNP rs377160316, ClinGen allele CA364658825.
Genomic context (GRCh38, chr6:79,947,225, plus strand): 5'-AGTCAGCGGCTTTACCTGCGATGGACCAGGTCCAGCGGTAGAACTCTACCGTGTCGTTGA[G>A]TGCCGTGGACACTACGTTTAGGACACTACCCGGCTCCGAGTCCAGGAGCCCCATCGCGGC-3'
Protein context (NP_073563.1, residues 9-29): GSVLNVVSTA[Leu19Phe]NDTVEFYRWT

ClinVar aggregate classification (germline): Uncertain significance (1 of 4 stars; one submission).

Submission:

Labcorp Genetics (formerly Invitae), Labcorp
Classification: Uncertain significance. Last evaluated: 2023-10-25. Review status: criteria provided, single submitter. Criteria: Invitae Variant Classification Sherloc (09022015). Collection method: clinical testing. Allele origin: germline.
Comment: This sequence change replaces leucine, which is neutral and non-polar, with phenylalanine, which is neutral and non-polar, at codon 19 of the ELOVL4 protein (p.Leu19Phe). This variant is not present in population databases (gnomAD no frequency). This variant has not been reported in the literature in individuals affected with ELOVL4-related conditions. ClinVar contains an entry for this variant (Variation ID: 1713940). Algorithms developed to predict the effect of missense changes on protein structure and function output the following: SIFT: "Not Available"; PolyPhen-2: "Benign"; Align-GVGD: "Not Available". The phenylalanine amino acid residue is found in multiple mammalian species, which suggests that this missense change does not adversely affect protein function. In summary, the available evidence is currently insufficient to determine the role of this variant in disease. Therefore, it has been classified as a Variant of Uncertain Significance.